The following is an entry in ClinVar:

NM_001348768.2(HECW2):c.2522C>T (p.Pro841Leu)

Gene: HECW2 (HECT, C2 and WW domain containing E3 ubiquitin protein ligase 2; minus strand). Cytogenetic location: 2q32.3.
Variant type: single nucleotide variant.
Coding change: c.2522C>T on transcript NM_001348768.2 (MANE Select); coding-DNA position 2522, C replaced by T.
Protein change: p.Pro841Leu; replaces proline 841 with leucine.
Molecular consequence: missense variant.
Genome position (GRCh38, 1-based): chr2:196,307,998, G>A on the plus strand (C>T on the coding strand, the complement: HECW2 is on the minus strand). VCF-style: chr2-196307998-G-A. GRCh37 (hg19) VCF-style: chr2-197172722-G-A.
Other names: c.1454C>T, p.Pro485Leu (NM_001304840.3); c.2522C>T, p.Pro841Leu (NM_020760.4); short protein forms P485L, P841L.
Identifiers: ClinVar variation 4538897 (VCV004538897.1).
Genomic context (GRCh38, chr2:196,307,998, plus strand): 5'-CGGTTCAGCTGCTCCATTTGCTGTATGGAGTTAGATCTCTGCAGCACCTGCGGGGCTGGG[G>A]GAGCTGTCGGTCGCTGCCACGTCGTGGTTCTGTTTACGTGATCCACGTAGAAGATCCTGC-3'
Protein context (NP_001335697.1, residues 831-851): RTTTWQRPTA[Pro841Leu]PAPQVLQRSN

ClinVar aggregate classification (germline): Uncertain significance (1 of 4 stars; one submission).

gnomAD v4.1: 1 of 1,605,718 alleles (0.000062%); highest among the groups gnomAD compares: South Asian, 0.0011%; no homozygotes.

Submission:

GeneDx
Classification: Uncertain significance. Last evaluated: 2025-06-18. Review status: criteria provided, single submitter. Criteria: GeneDx Variant Classification Process June 2021. Collection method: clinical testing. Allele origin: germline. Affected: yes.
Comment: Not observed at significant frequency in large population cohorts (gnomAD); In silico analysis supports that this missense variant has a deleterious effect on protein structure/function; Has not been previously published as pathogenic or benign to our knowledge